The following is an entry in ClinVar:

NM_000256.3(MYBPC3):c.127C>T (p.Gln43Ter)

Gene: MYBPC3 (myosin binding protein C3; minus strand). Cytogenetic location: 11p11.2.
Variant type: single nucleotide variant.
Coding change: c.127C>T on transcript NM_000256.3 (MANE Select); coding-DNA position 127, C replaced by T.
Protein change: p.Gln43Ter; replaces glutamine 43 with a stop codon.
Molecular consequence: nonsense.
Genome position (GRCh38, 1-based): chr11:47,351,404, G>A on the plus strand (C>T on the coding strand, the complement: MYBPC3 is on the minus strand). VCF-style: chr11-47351404-G-A. GRCh37 (hg19) VCF-style: chr11-47372955-G-A.
Other names: short protein forms Q43*.
Identifiers: ClinVar variation 4692570 (VCV004692570.1).

ClinVar aggregate classification (germline): Pathogenic (1 of 4 stars; one submission).

Conditions:
Hypertrophic cardiomyopathy. Also called: HYPERTROPHIC MYOCARDIOPATHY. Identifiers: Orphanet 217569, MedGen C0007194, MeSH D002312, MONDO:0005045, HP:0001639.

Submission:

Labcorp Genetics (formerly Invitae), Labcorp
Classification: Pathogenic for Hypertrophic cardiomyopathy. Last evaluated: 2025-12-21. Review status: criteria provided, single submitter. Criteria: Invitae Variant Classification Sherloc (09022015). Collection method: clinical testing. Allele origin: germline.
Comment: This sequence change creates a premature translational stop signal (p.Gln43*) in the MYBPC3 gene. It is expected to result in an absent or disrupted protein product. Loss-of-function variants in MYBPC3 are known to be pathogenic (PMID: 19574547). This variant is not present in population databases (gnomAD no frequency). This variant has not been reported in the literature in individuals affected with MYBPC3-related conditions. For these reasons, this variant has been classified as Pathogenic.

Literature cited by the submitters: PubMed 19574547.